The following is an entry in ClinVar:

ClinVar aggregate classification (germline): Pathogenic (1 of 4 stars; one submission).

Conditions:
Hereditary spastic paraplegia 4. Also called: Spastic paraplegia 4, autosomal dominant; Spastic Paraplegia 4; Familial spastic paraplegia autosomal dominant 2. Identifiers: Orphanet 100985, MedGen C1866855, MONDO:0008438, OMIM 182601.

Submission:

Labcorp Genetics (formerly Invitae), Labcorp
Classification: Pathogenic for Spastic paraplegia 4, autosomal dominant. Last evaluated: 2019-02-10. Review status: criteria provided, single submitter. Criteria: Invitae Variant Classification Sherloc (09022015). Collection method: clinical testing. Allele origin: germline.
Comment: This variant is an in-frame deletion of the genomic region encompassing exons 8-9 of the SPAST gene. It preserves the integrity of the reading frame. Similar deletions of exons 8-9 have been reported in multiple unrelated individuals affected with hereditary spastic paraplegia (PMID: 19423133, 25065914). This variant has also been reported to segregate with autosomal dominant hereditary spastic paraplegia in a single family (PMID: 19423133). For these reasons, this variant has been classified as Pathogenic.

Literature cited by the submitters: PubMed 19423133; PubMed 25065914.

NC_000002.12:g.(?_32126938)_(32128489_?)del

Gene: SPAST (spastin; plus strand). Cytogenetic location: 2p22.3.
Variant type: Deletion.
Identifiers: ClinVar variation 655754 (VCV000655754.2).